The following is an entry in ClinVar:

ClinVar aggregate classification (germline): Uncertain significance (1 of 4 stars; one submission).

Conditions:
Charcot-Marie-Tooth disease type 4. Also called: Charcot-Marie-Tooth disease, type IV; Charcot-Marie-Tooth, Type 4. Identifiers: Orphanet 64749, MedGen C4082197, MONDO:0018995.

Allele frequency attached by ClinVar (database versions not stated): gnomAD exomes below 0.00001; TOPMed 0.00001.
gnomAD v4.1: 2 of 1,610,892 alleles (0.00012%); highest among the groups gnomAD compares: Non-Finnish European, 0.00017%; no homozygotes.

Submission:

Labcorp Genetics (formerly Invitae), Labcorp
Classification: Uncertain significance for Charcot-Marie-Tooth disease type 4. Last evaluated: 2025-12-03. Review status: criteria provided, single submitter. Criteria: Invitae Variant Classification Sherloc (09022015). Collection method: clinical testing. Allele origin: germline.
Comment: This sequence change replaces arginine, which is basic and polar, with lysine, which is basic and polar, at codon 554 of the SBF2 protein (p.Arg554Lys). This variant is not present in population databases (gnomAD no frequency). This variant has not been reported in the literature in individuals affected with SBF2-related conditions. ClinVar contains an entry for this variant (Variation ID: 1019107). Invitae Evidence Modeling of protein sequence and biophysical properties (such as structural, functional, and spatial information, amino acid conservation, physicochemical variation, residue mobility, and thermodynamic stability) indicates that this missense variant is not expected to disrupt SBF2 protein function with a negative predictive value of 80%. In summary, the available evidence is currently insufficient to determine the role of this variant in disease. Therefore, it has been classified as a Variant of Uncertain Significance.

NM_030962.4(SBF2):c.1661G>A (p.Arg554Lys)

Gene: SBF2 (SET binding factor 2; minus strand). Cytogenetic location: 11p15.4.
Variant type: single nucleotide variant.
Coding change: c.1661G>A on transcript NM_030962.4 (MANE Select); coding-DNA position 1661, G replaced by A.
Protein change: p.Arg554Lys; replaces arginine 554 with lysine.
Molecular consequence: missense variant.
Genome position (GRCh38, 1-based): chr11:9,963,822, C>T on the plus strand (G>A on the coding strand, the complement: SBF2 is on the minus strand). VCF-style: chr11-9963822-C-T. GRCh37 (hg19) VCF-style: chr11-9985369-C-T.
Other names: c.1661G>A, p.Arg554Lys (NM_001386339.1); c.1532G>A, p.Arg511Lys (NM_001386342.1); short protein forms R554K, R511K.
Identifiers: ClinVar variation 1019107 (VCV001019107.8), dbSNP rs1161860280, ClinGen allele CA379644965.